The following is an entry in ClinVar:

ClinVar aggregate classification (germline): Uncertain significance (1 of 4 stars; one submission).

Conditions:
Progressive sclerosing poliodystrophy (MTDPS4A). Also called: Mitochondrial DNA depletion syndrome 4A (Alpers type); Alpers Syndrome; ALPERS DIFFUSE DEGENERATION OF CEREBRAL GRAY MATTER WITH HEPATIC CIRRHOSIS; Alpers-Huttenlocher Syndrome; ALPERS PROGRESSIVE INFANTILE POLIODYSTROPHY; NEURONAL DEGENERATION OF CHILDHOOD WITH LIVER DISEASE, PROGRESSIVE. Identifiers: Orphanet 726, MedGen C0205710, MONDO:0008758, OMIM 203700.

Submission:

Labcorp Genetics (formerly Invitae), Labcorp
Classification: Uncertain significance for Progressive sclerosing poliodystrophy. Last evaluated: 2024-09-30. Review status: criteria provided, single submitter. Criteria: Invitae Variant Classification Sherloc (09022015). Collection method: clinical testing. Allele origin: germline.
Comment: This variant, c.122_127del, results in the deletion of 2 amino acid(s) of the POLG protein (p.Arg41_Arg42del), but otherwise preserves the integrity of the reading frame. This variant is not present in population databases (gnomAD no frequency). This variant has not been reported in the literature in individuals affected with POLG-related conditions. Experimental studies and prediction algorithms are not available or were not evaluated, and the functional significance of this variant is currently unknown. In summary, the available evidence is currently insufficient to determine the role of this variant in disease. Therefore, it has been classified as a Variant of Uncertain Significance.

NM_002693.3(POLG):c.119GGC[1] (p.Arg41_Arg42del)

Genes: POLG (DNA polymerase gamma, catalytic subunit; minus strand), POLGARF (POLG alternative reading frame; minus strand). Cytogenetic location: 15q26.1.
Variant type: Microsatellite.
Coding change: c.119GGC[1] on transcript NM_002693.3 (MANE Select); one copy of the 3-base unit GGC starting at c.119; the reference has three copies in a row; two copies, 6 bases deleted.
Protein change: p.Arg41_Arg42del.
Molecular consequence: inframe deletion.
Genome position (GRCh38, 1-based): chr15:89,333,628-89,333,633, GCCGCC deleted on the plus strand (GGCGGC on the coding strand, the reverse complement: POLG is on the minus strand); deleting any 6 consecutive bases within chr15:89,333,628-89,333,638 gives the same sequence; the position shown is the placement nearest the transcript's 3' end. VCF-style (leftmost placement, unchanged base first): chr15-89333627-TGCCGCC-T. GRCh37 (hg19) VCF-style: chr15-89876858-TGCCGCC-T.
Other names: c.119GGC[1], p.Arg41_Arg42del (NM_001126131.2).
Identifiers: ClinVar variation 2156154 (VCV002156154.3), dbSNP rs761080016, ClinGen allele CA10602329.
Genomic context (GRCh38, chr15:89,333,627, plus strand): 5'-GATAGCACTTGCGGCTGCTGAGGCTGCTGTTGCTGCTGCTGCTGCTGCTGCTGCTGCTGC[TGCCGCC>T]GCCGCTGCCCGTCGCTGGGGTCGGACGCGGGGACGGAGCTGGAGACCCAGCGCCCCGGAG-3'